The following is an entry in ClinVar:

ClinVar aggregate classification (germline): Uncertain significance. Review status: criteria provided, multiple submitters, no conflicts (2 of 4 stars). 2 submissions from 2 submitters: Uncertain significance (2). Last evaluated 2026-09-01.

Conditions:
TOPORS-related disorder. Also called: TOPORS-related condition.

gnomAD v4.1: 1 of 1,612,836 alleles (0.000062%); highest among the groups gnomAD compares: Non-Finnish European, 0.000085%; no homozygotes.

Submissions (2):

PreventionGenetics, part of Exact Sciences
Classification: Uncertain significance for TOPORS-related condition. Last evaluated: 2026-09-01. Review status: criteria provided, single submitter. Criteria: ACMG Guidelines, 2015. Collection method: clinical testing. Allele origin: germline.
Comment: The TOPORS c.146G>T variant is predicted to result in the amino acid substitution p.Cys49Phe. To our knowledge, this variant has not been reported in the literature or in a large population database (gnomAD), indicating this variant is rare. At this time, the clinical significance of this variant is uncertain due to the absence of conclusive functional and genetic evidence.

Labcorp Genetics (formerly Invitae), Labcorp
Classification: Uncertain significance. Last evaluated: 2024-04-11. Review status: criteria provided, single submitter. Criteria: Invitae Variant Classification Sherloc (09022015). Collection method: clinical testing. Allele origin: germline.
Comment: This sequence change replaces cysteine, which is neutral and slightly polar, with phenylalanine, which is neutral and non-polar, at codon 49 of the TOPORS protein (p.Cys49Phe). This variant is not present in population databases (gnomAD no frequency). This variant has not been reported in the literature in individuals affected with TOPORS-related conditions. An algorithm developed to predict the effect of missense changes on protein structure and function (PolyPhen-2) suggests that this variant is likely to be tolerated. In summary, the available evidence is currently insufficient to determine the role of this variant in disease. Therefore, it has been classified as a Variant of Uncertain Significance.

NM_005802.5(TOPORS):c.146G>T (p.Cys49Phe)

Gene: TOPORS (TOP1 binding arginine/serine rich protein, E3 ubiquitin ligase; minus strand). Cytogenetic location: 9p21.1.
Variant type: single nucleotide variant.
Coding change: c.146G>T on transcript NM_005802.5 (MANE Select); coding-DNA position 146, G replaced by T.
Protein change: p.Cys49Phe; replaces cysteine 49 with phenylalanine.
Molecular consequence: missense variant. On other transcripts: intron variant (1).
Genome position (GRCh38, 1-based): chr9:32,550,826, C>A on the plus strand (G>T on the coding strand, the complement: TOPORS is on the minus strand). VCF-style: chr9-32550826-C-A. GRCh37 (hg19) VCF-style: chr9-32550824-C-A.
Other names: c.3+1608G>T (NM_001195622.2); c.146G>T (NM_005802.4); short protein forms C49F.
Identifiers: ClinVar variation 3610829 (VCV003610829.3).